The following is an entry in ClinVar:

NM_000215.4(JAK3):c.2147G>A (p.Trp716Ter)

Gene: JAK3 (Janus kinase 3; minus strand). Cytogenetic location: 19p13.11.
Variant type: single nucleotide variant.
Coding change: c.2147G>A on transcript NM_000215.4 (MANE Select); coding-DNA position 2147, G replaced by A.
Protein change: p.Trp716Ter; replaces tryptophan 716 with a stop codon.
Molecular consequence: nonsense.
Genome position (GRCh38, 1-based): chr19:17,834,904, C>T on the plus strand (G>A on the coding strand, the complement: JAK3 is on the minus strand). VCF-style: chr19-17834904-C-T. GRCh37 (hg19) VCF-style: chr19-17945713-C-T.
Other names: short protein forms W716*.
Identifiers: ClinVar variation 3638704 (VCV003638704.2).

ClinVar aggregate classification (germline): Pathogenic (1 of 4 stars; one submission).

Conditions:
T-B+ severe combined immunodeficiency due to JAK3 deficiency. Also called: SCID, T CELL-NEGATIVE, B CELL-POSITIVE, NK CELL-NEGATIVE; SCID, autosomal recessive, T-negative/B-positive type. Identifiers: Orphanet 35078, MedGen C1833275, MONDO:0010938, OMIM 600802.

gnomAD v4.1: 2 of 1,614,162 alleles (0.00012%); highest among the groups gnomAD compares: Non-Finnish European, 0.00017%; no homozygotes.

Submission:

Labcorp Genetics (formerly Invitae), Labcorp
Classification: Pathogenic for T-B+ severe combined immunodeficiency due to JAK3 deficiency. Last evaluated: 2024-12-09. Review status: criteria provided, single submitter. Criteria: Invitae Variant Classification Sherloc (09022015). Collection method: clinical testing. Allele origin: germline.
Comment: This sequence change creates a premature translational stop signal (p.Trp716*) in the JAK3 gene. It is expected to result in an absent or disrupted protein product. Loss-of-function variants in JAK3 are known to be pathogenic (PMID: 7481768, 11668621). This variant is not present in population databases (gnomAD no frequency). This variant has not been reported in the literature in individuals affected with JAK3-related conditions. For these reasons, this variant has been classified as Pathogenic.

Literature cited by the submitters: PubMed 7481768; PubMed 11668621.